The following is an entry in ClinVar:

NM_000455.5(STK11):c.987G>A (p.Lys329=)

Genes: STK11 (serine/threonine kinase 11; plus strand), LOC130062899 (ATAC-STARR-seq lymphoblastoid active region 13597; plus strand). Cytogenetic location: 19p13.3.
Variant type: single nucleotide variant.
Coding change: c.987G>A on transcript NM_000455.5 (MANE Select); coding-DNA position 987, G replaced by A.
Protein change: p.Lys329=; no amino-acid change (lysine 329 retained).
Molecular consequence: synonymous variant.
Genome position (GRCh38, 1-based): chr19:1,223,051, G>A. VCF-style: chr19-1223051-G-A. GRCh37 (hg19) VCF-style: chr19-1223050-G-A.
Identifiers: ClinVar variation 527850 (VCV000527850.15), dbSNP rs1555739210, ClinGen allele CA504707756.

ClinVar aggregate classification (germline): Benign/Likely benign. Review status: criteria provided, multiple submitters, no conflicts (2 of 4 stars). 4 submissions from 4 submitters: Benign (1); Likely benign (3). Last evaluated 2025-03-28.

Conditions:
Hereditary cancer-predisposing syndrome. Also called: Neoplastic Syndromes, Hereditary; Tumor predisposition; Hereditary neoplastic syndrome; Hereditary Cancer Syndrome. Identifiers: Orphanet 140162, MedGen C0027672, MeSH D009386, MONDO:0015356.
Peutz-Jeghers syndrome (PJS). Also called: POLYPOSIS, HAMARTOMATOUS INTESTINAL; POLYPS-AND-SPOTS SYNDROME; Peutz-Jeghers polyposis; Periorificial lentiginosis syndrome. Identifiers: Orphanet 2869, MedGen C0031269, MeSH D010580, MONDO:0008280, OMIM 175200.

Allele frequency attached by ClinVar (database versions not stated): gnomAD exomes below 0.00001.
gnomAD v4.1: 1 of 1,602,382 alleles (0.000062%); highest among the groups gnomAD compares: Non-Finnish European, 0.000085%; no homozygotes.

Submissions (4):

Myriad Genetics, Inc.
Classification: Benign for Peutz-Jeghers syndrome. Last evaluated: 2025-03-28. Review status: criteria provided, single submitter. Criteria: Myriad Autosomal Dominant, Autosomal Recessive and X-Linked Classification Criteria (2023). Collection method: clinical testing. Allele origin: unknown.
Comment: This variant is considered benign. This variant is a silent/synonymous amino acid change and it is not expected to impact splicing.

Labcorp Genetics (formerly Invitae), Labcorp
Classification: Likely benign for Peutz-Jeghers syndrome. Last evaluated: 2024-10-18. Review status: criteria provided, single submitter. Criteria: Invitae Variant Classification Sherloc (09022015). Collection method: clinical testing. Allele origin: germline.

Color Diagnostics, LLC DBA Color Health
Classification: Likely benign for Hereditary cancer-predisposing syndrome. Last evaluated: 2019-03-26. Review status: criteria provided, single submitter. Criteria: ACMG Guidelines, 2015. Collection method: clinical testing. Allele origin: germline.

GeneDx
Classification: Likely benign. Last evaluated: 2018-05-17. Review status: criteria provided, single submitter. Criteria: GeneDx Variant Classification (06012015). Collection method: clinical testing. Allele origin: germline. Affected: yes.
Comment: This variant is considered likely benign or benign based on one or more of the following criteria: it is a conservative change, it occurs at a poorly conserved position in the protein, it is predicted to be benign by multiple in silico algorithms, and/or has population frequency not consistent with disease.